The following is an entry in ClinVar:

NM_004409.5(DMPK):c.*224CTG[46]

Genes: DM1-AS (DM1 locus antisense RNA; plus strand), DMPK (DM1 protein kinase; minus strand), LOC107075317 (origin of replication in DMPK trinucleotide repeat region; plus strand), LOC109461477 (dystrophia myotonica protein kinase repeat instability region; plus strand). Cytogenetic location: 19q13.32.
Variant type: Microsatellite.
Coding change: c.*224CTG[46] on transcript NM_004409.5 (MANE Select); 46 copies in a row of the 3-base unit CTG starting at c.*224.
Molecular consequence: 3 prime UTR variant.
Genome position: GRCh38, VCF-style position (the base before the change): chr19:45,770,204. GRCh37 (hg19), VCF-style position (the base before the change): chr19:46,273,462.
Other names: DM1 CTG repeat expansion; c.*224CTG[46] (NM_001081560.3, NM_001288764.2, NM_001424165.1 and 1 more transcripts); c.*217CTG[46] (NM_001081562.3, NM_001288765.2, NM_001424162.1 and 2 more transcripts); c.*222_*224TGC[46] (NM_001081563.3); c.*369CTG[46] (NM_001288766.2, NM_001424164.1, NM_001424168.1).
Identifiers: ClinVar variation 187987 (VCV000187987.3), ClinGen allele CA915951809.

ClinVar aggregate classification (germline): Pathogenic. Review status: criteria provided, single submitter (1 of 4 stars). 2 submissions from 2 submitters: Pathogenic (1). 1 of the submissions does not count toward it. Last evaluated 2019-11-26.

Conditions:
Steinert myotonic dystrophy syndrome (DM1). Also called: STEINERT DISEASE; Myotonic dystrophy type 1; Dystrophia myotonica type 1; Steinert myotonic dystrophy; Steinert's disease. Identifiers: Orphanet 273, MedGen C3250443, MONDO:0008056, OMIM 160900.

Submissions (2):

Neuromuscular Research, Maastricht University Medical Centre
Classification: Pathogenic for Steinert myotonic dystrophy syndrome. Last evaluated: 2019-11-26. Review status: criteria provided, single submitter. Criteria: Best practice guidelines on molecular diagnosis DM1 and DM2, Kamsteeg et al. 2012. Collection method: clinical testing. Allele origin: inherited, maternal. Affected: yes.

Institute of Molecular, Cell and Systems Biology, University of Glasgow
Classification: Pathogenic for Steinert myotonic dystrophy syndrome. Review status: no assertion criteria provided. Criteria: research. Collection method: research. Allele origin: germline. Inheritance: Autosomal dominant inheritance. Affected: yes. Observed: 1 heterozygote. Not counted in ClinVar's aggregate classification.
Comment: DMPK CTG repeat expansions greater than approximately 45-50 repeats are assumed to be pathogenic

This record is based on data published in PubMed 25052313, which reports only ClinVar accessions SCV000120188 and SCV000120189. The complete data set includes SCV000207445 - SCV000207579.

Literature cited by the submitters: PubMed 32203199 (cited by Neuromuscular Research, Maastricht University Medical Centre); PubMed 1346923 (cited by Institute of Molecular, Cell and Systems Biology, University of Glasgow); PubMed 1546326 (cited by Institute of Molecular, Cell and Systems Biology, University of Glasgow); PubMed 25052313 (cited by Institute of Molecular, Cell and Systems Biology, University of Glasgow).